The following is an entry in ClinVar:

NM_014915.3(ANKRD26):c.1573G>A (p.Asp525Asn)

Gene: ANKRD26 (ankyrin repeat domain containing 26; minus strand). Cytogenetic location: 10p12.1.
Variant type: single nucleotide variant.
Coding change: c.1573G>A on transcript NM_014915.3 (MANE Select); coding-DNA position 1573, G replaced by A.
Protein change: p.Asp525Asn; replaces aspartic acid 525 with asparagine.
Molecular consequence: missense variant.
Genome position (GRCh38, 1-based): chr10:27,053,382, C>T on the plus strand (G>A on the coding strand, the complement: ANKRD26 is on the minus strand). VCF-style: chr10-27053382-C-T. GRCh37 (hg19) VCF-style: chr10-27342311-C-T.
Other names: c.1573G>A, p.Asp525Asn (NM_001256053.2); short protein forms D525N.
Identifiers: ClinVar variation 3869677 (VCV003869677.1).
Genomic context (GRCh38, chr10:27,053,382, plus strand): 5'-GTGGCTGGTTATTTTCACTCCCTTCCCTTTCTTGCTCTTCTTCTGATGCTACTTCTAAGT[C>T]ATGTTCAGCTGAAAAAATCCAAATATTTAGTTTAATGAACTACTTAGAACAGTTAGGTAA-3'
Protein context (NP_055730.2, residues 515-535): DVQTSKAAEH[Asp525Asn]LEVASEEEQE

ClinVar aggregate classification (germline): Uncertain significance (1 of 4 stars; one submission).

Conditions:
Inborn genetic diseases. Identifiers: MedGen C0950123, MeSH D030342.

gnomAD v4.1: 1 of 1,610,070 alleles (0.000062%); highest among the groups gnomAD compares: Non-Finnish European, 0.000085%; no homozygotes.

Submission:

Ambry Genetics
Classification: Uncertain significance for Inborn genetic diseases. Last evaluated: 2024-12-25. Review status: criteria provided, single submitter. Criteria: Ambry Variant Classification Scheme 2023. Collection method: clinical testing. Allele origin: germline.
Comment: The p.D525N variant (also known as c.1573G>A), located in coding exon 16 of the ANKRD26 gene, results from a G to A substitution at nucleotide position 1573. The aspartic acid at codon 525 is replaced by asparagine, an amino acid with highly similar properties. This amino acid position is conserved. In addition, this alteration is predicted to be tolerated by in silico analysis. Based on the available evidence, the clinical significance of this variant remains unclear.